The following is an entry in ClinVar:

NM_003185.4(TAF4):c.2971-20T>C

Gene: TAF4 (TATA-box binding protein associated factor 4; minus strand). Cytogenetic location: 20q13.33.
Variant type: single nucleotide variant.
Coding change: c.2971-20T>C on transcript NM_003185.4 (MANE Select); 20 bases into the intron before coding-DNA position 2971, T replaced by C.
Molecular consequence: intron variant.
Genome position (GRCh38, 1-based): chr20:61,997,689, A>G on the plus strand (T>C on the coding strand, the complement: TAF4 is on the minus strand). VCF-style: chr20-61997689-A-G. GRCh37 (hg19) VCF-style: chr20-60572745-A-G.
Identifiers: ClinVar variation 5006397 (VCV005006397.2).

ClinVar aggregate classification (germline): Uncertain significance (1 of 4 stars; one submission).

Conditions:
Intellectual developmental disorder, autosomal dominant 73 (MRD73). Also called: TAF4-RELATED NDD; TAF4-RELATED NEURODEVELOPMENTAL DISORDER. Identifiers: MedGen C5830636, MONDO:0957536, OMIM 620450.

Submission:

Juno Genomics, Hangzhou Juno Genomics, Inc
Classification: Uncertain significance for Intellectual developmental disorder, autosomal dominant 73. Review status: criteria provided, single submitter. Criteria: ACMG Guidelines, 2015. Collection method: clinical testing. Allele origin: germline.
Comment: Absent from controls (or at extremely low frequency if recessive) in Genome Aggregation Database.;Multiple lines of computational evidence support a deleterious effect on the gene or gene product.